The following is an entry in ClinVar:

NM_006766.5(KAT6A):c.557C>G (p.Ser186Cys)

Gene: KAT6A (lysine acetyltransferase 6A; minus strand). Cytogenetic location: 8p11.21.
Variant type: single nucleotide variant.
Coding change: c.557C>G on transcript NM_006766.5 (MANE Select); coding-DNA position 557, C replaced by G.
Protein change: p.Ser186Cys; replaces serine 186 with cysteine.
Molecular consequence: missense variant.
Genome position (GRCh38, 1-based): chr8:42,048,421, G>C on the plus strand (C>G on the coding strand, the complement: KAT6A is on the minus strand). VCF-style: chr8-42048421-G-C. GRCh37 (hg19) VCF-style: chr8-41905939-G-C.
Other names: c.557C>G, p.Ser186Cys (NM_001305878.2); short protein forms S186C.
Identifiers: ClinVar variation 2662418 (VCV002662418.1), dbSNP rs1802425178, ClinGen allele CA371174421.

ClinVar aggregate classification (germline): Uncertain significance (1 of 4 stars; one submission).

Allele frequency attached by ClinVar (database versions not stated): TOPMed below 0.00001.

Submission:

GeneDx
Classification: Uncertain significance. Last evaluated: 2023-04-10. Review status: criteria provided, single submitter. Criteria: GeneDx Variant Classification Process June 2021. Collection method: clinical testing. Allele origin: germline. Affected: yes.
Comment: Not observed at significant frequency in large population cohorts (gnomAD); In silico analysis supports that this missense variant has a deleterious effect on protein structure/function; Has not been previously published as pathogenic or benign to our knowledge